The following is an entry in ClinVar:

ClinVar aggregate classification (germline): Uncertain significance. Review status: criteria provided, multiple submitters, no conflicts (2 of 4 stars). 2 submissions from 2 submitters: Uncertain significance (2). Last evaluated 2024-12-07.

Conditions:
Familial episodic pain syndrome with predominantly lower limb involvement. Also called: Episodic pain syndrome, familial, 3. Identifiers: Orphanet 391384, Orphanet 391392, MedGen C3809899, MONDO:0014247, OMIM 615552.
Hereditary sensory and autonomic neuropathy type 7. Also called: HSAN VII; Neuropathy, hereditary sensory and autonomic, type VII. Identifiers: Orphanet 391397, MedGen C3809882, MONDO:0014244, OMIM 615548.
Inborn genetic diseases. Identifiers: MedGen C0950123, MeSH D030342.

Allele frequency attached by ClinVar (database versions not stated): TOPMed 0.00001.
gnomAD v4.1: 3 of 1,614,050 alleles (0.00019%); highest among the groups gnomAD compares: Non-Finnish European, 0.00025%; no homozygotes.

Submissions (2):

Ambry Genetics
Classification: Uncertain significance for Inborn genetic diseases. Last evaluated: 2024-12-07. Review status: criteria provided, single submitter. Criteria: Ambry Variant Classification Scheme 2023. Collection method: clinical testing. Allele origin: germline.

Labcorp Genetics (formerly Invitae), Labcorp
Classification: Uncertain significance for Familial episodic pain syndrome with predominantly lower limb involvement; Hereditary sensory and autonomic neuropathy type 7. Last evaluated: 2022-07-19. Review status: criteria provided, single submitter. Criteria: Invitae Variant Classification Sherloc (09022015). Collection method: clinical testing. Allele origin: germline.
Comment: In summary, the available evidence is currently insufficient to determine the role of this variant in disease. Therefore, it has been classified as a Variant of Uncertain Significance. Algorithms developed to predict the effect of missense changes on protein structure and function are either unavailable or do not agree on the potential impact of this missense change (SIFT: "Deleterious"; PolyPhen-2: "Possibly Damaging"; Align-GVGD: "Class C0"). ClinVar contains an entry for this variant (Variation ID: 950864). This variant has not been reported in the literature in individuals affected with SCN11A-related conditions. This variant is present in population databases (no rsID available, gnomAD 0.0009%). This sequence change replaces serine, which is neutral and polar, with tryptophan, which is neutral and slightly polar, at codon 285 of the SCN11A protein (p.Ser285Trp).

NM_001349253.2(SCN11A):c.854C>G (p.Ser285Trp)

Gene: SCN11A (sodium voltage-gated channel alpha subunit 11; minus strand). Cytogenetic location: 3p22.2.
Variant type: single nucleotide variant.
Coding change: c.854C>G on transcript NM_001349253.2 (MANE Select); coding-DNA position 854, C replaced by G.
Protein change: p.Ser285Trp; replaces serine 285 with tryptophan.
Molecular consequence: missense variant.
Genome position (GRCh38, 1-based): chr3:38,921,114, G>C on the plus strand (C>G on the coding strand, the complement: SCN11A is on the minus strand). VCF-style: chr3-38921114-G-C. GRCh37 (hg19) VCF-style: chr3-38962605-G-C.
Other names: c.854C>G, p.Ser285Trp (NM_014139.3); short protein forms S285W.
Identifiers: ClinVar variation 950864 (VCV000950864.7), dbSNP rs765170928, ClinGen allele CA352171997.
Genomic context (GRCh38, chr3:38,921,114, plus strand): 5'-GAAAGAAAGGTTGGGTATTTACCATAAGCTTCCGGGTTACTGATATTTTTACAGTCCCTC[G>C]AGATGCATTTCAGGTTCAGACTTCCCATGAAGAGCTGCTGACCTACCAGGGCAAAGATGC-3'
Protein context (NP_001336182.1, residues 275-295): FMGSLNLKCI[Ser285Trp]RDCKNISNPE